The following is an entry in ClinVar:

ClinVar aggregate classification (germline): Uncertain significance (1 of 4 stars; one submission).

Conditions:
Developmental and epileptic encephalopathy, 34 (DEE34). Also called: Early infantile epileptic encephalopathy 34; SLC12A5-Related Epilepsy of Infancy with Migrating Focal Seizures. Identifiers: Orphanet 293181, MedGen C4225257, MONDO:0014718, OMIM 616645.

Allele frequency attached by ClinVar (database versions not stated): ExAC 0.00001; gnomAD exomes 0.00001; TOPMed 0.00001; ESP Exome Variant Server 0.00008.
gnomAD v4.1: 12 of 1,613,780 alleles (0.00074%); highest among the groups gnomAD compares: Non-Finnish European, 0.001%; no homozygotes.

Submission:

Labcorp Genetics (formerly Invitae), Labcorp
Classification: Uncertain significance for Developmental and epileptic encephalopathy, 34. Last evaluated: 2022-01-16. Review status: criteria provided, single submitter. Criteria: Invitae Variant Classification Sherloc (09022015). Collection method: clinical testing. Allele origin: germline.
Comment: This sequence change replaces glycine, which is neutral and non-polar, with serine, which is neutral and polar, at codon 86 of the SLC12A5 protein (p.Gly86Ser). This variant is present in population databases (rs370812585, gnomAD 0.0009%). This variant has not been reported in the literature in individuals affected with SLC12A5-related conditions. Advanced modeling of protein sequence and biophysical properties (such as structural, functional, and spatial information, amino acid conservation, physicochemical variation, residue mobility, and thermodynamic stability) performed at Invitae indicates that this missense variant is not expected to disrupt SLC12A5 protein function. In summary, the available evidence is currently insufficient to determine the role of this variant in disease. Therefore, it has been classified as a Variant of Uncertain Significance.

NM_020708.5(SLC12A5):c.256G>A (p.Gly86Ser)

Gene: SLC12A5 (solute carrier family 12 member 5; plus strand). Cytogenetic location: 20q13.12.
Variant type: single nucleotide variant.
Coding change: c.256G>A on transcript NM_020708.5 (MANE Select); coding-DNA position 256, G replaced by A.
Protein change: p.Gly86Ser; replaces glycine 86 with serine.
Molecular consequence: missense variant.
Genome position (GRCh38, 1-based): chr20:46,035,512, G>A. VCF-style: chr20-46035512-G-A. GRCh37 (hg19) VCF-style: chr20-44664151-G-A.
Other names: c.325G>A, p.Gly109Ser (NM_001134771.2); short protein forms G109S, G86S.
Identifiers: ClinVar variation 2428303 (VCV002428303.2), dbSNP rs370812585, ClinGen allele CA9886997.